The following is an entry in ClinVar:

ClinVar aggregate classification (germline): Uncertain significance. Review status: criteria provided, multiple submitters, no conflicts (2 of 4 stars). 2 submissions from 2 submitters: Uncertain significance (2). Last evaluated 2026-05-11.

Conditions:
Inborn genetic diseases. Identifiers: MedGen C0950123, MeSH D030342.

Submissions (2):

Ambry Genetics
Classification: Uncertain significance for Inborn genetic diseases. Last evaluated: 2026-05-11. Review status: criteria provided, single submitter. Criteria: Ambry Variant Classification Scheme 2023. Collection method: clinical testing. Allele origin: germline.

Labcorp Genetics (formerly Invitae), Labcorp
Classification: Uncertain significance. Last evaluated: 2025-03-12. Review status: criteria provided, single submitter. Criteria: Invitae Variant Classification Sherloc (09022015). Collection method: clinical testing. Allele origin: germline.
Comment: This sequence change replaces proline, which is neutral and non-polar, with glutamine, which is neutral and polar, at codon 24 of the NOG protein (p.Pro24Gln). This variant is not present in population databases (gnomAD no frequency). This variant has not been reported in the literature in individuals affected with NOG-related conditions. An algorithm developed to predict the effect of missense changes on protein structure and function (PolyPhen-2) suggests that this variant is likely to be tolerated. In summary, the available evidence is currently insufficient to determine the role of this variant in disease. Therefore, it has been classified as a Variant of Uncertain Significance.

NM_005450.6(NOG):c.71C>A (p.Pro24Gln)

Gene: NOG (noggin; plus strand). Cytogenetic location: 17q22.
Variant type: single nucleotide variant.
Coding change: c.71C>A on transcript NM_005450.6 (MANE Select); coding-DNA position 71, C replaced by A.
Protein change: p.Pro24Gln; replaces proline 24 with glutamine.
Molecular consequence: missense variant.
Genome position (GRCh38, 1-based): chr17:56,594,294, C>A. VCF-style: chr17-56594294-C-A. GRCh37 (hg19) VCF-style: chr17-54671655-C-A.
Other names: c.71C>A (NM_005450.4); short protein forms P24Q.
Identifiers: ClinVar variation 3680367 (VCV003680367.3).
Genomic context (GRCh38, chr17:56,594,294, plus strand): 5'-GCCCCAGCCTAGGGGTCACCCTCTACGCCCTGGTGGTGGTCCTGGGGCTGCGGGCGACAC[C>A]GGCCGGCGGCCAGCACTATCTCCACATCCGCCCGGCACCCAGCGACAACCTGCCCCTGGT-3'
Protein context (NP_005441.1, residues 14-34): LVVVLGLRAT[Pro24Gln]AGGQHYLHIR